The following is an entry in ClinVar:

ClinVar aggregate classification (germline): Conflicting classifications of pathogenicity. Review status: criteria provided, conflicting classifications (1 of 4 stars). 7 submissions from 7 submitters: Uncertain significance (3); Likely benign (4). Last evaluated 2026-06-20.

Conditions:
IMPDH1-related disorder. Also called: IMPDH1-related condition; IMPDH1-related disorders.
Inborn genetic diseases. Identifiers: MedGen C0950123, MeSH D030342.
Retinitis pigmentosa 10 (RP10). Identifiers: Orphanet 791, MedGen C1867299, MONDO:0008379, OMIM 180105.
Leber congenital amaurosis 11 (LCA11). Identifiers: Orphanet 65, MedGen C1840284, MONDO:0013454, OMIM 613837.

Allele frequency attached by ClinVar (database versions not stated): gnomAD exomes 0.00003 and 0.00014; ESP Exome Variant Server 0.00008; gnomAD 0.00011 and 0.00012; ExAC 0.00012; TOPMed 0.00020.
gnomAD v4.1: 64 of 1,614,026 alleles (0.004%); highest among the groups gnomAD compares: Admixed American, 0.097%; no homozygotes.

Submissions (7):

PreventionGenetics, part of Exact Sciences
Classification: Likely benign for IMPDH1-related condition. Last evaluated: 2026-06-20. Review status: criteria provided, single submitter. Criteria: ACMG Guidelines, 2015. Collection method: clinical testing. Allele origin: germline.
Comment: This variant is classified as likely benign based on ACMG/AMP sequence variant interpretation guidelines (Richards et al. 2015 PMID: 25741868, with internal and published modifications).

Labcorp Genetics (formerly Invitae), Labcorp
Classification: Likely benign. Last evaluated: 2026-01-01. Review status: criteria provided, single submitter. Criteria: Invitae Variant Classification Sherloc (09022015). Collection method: clinical testing. Allele origin: germline.

Ambry Genetics
Classification: Uncertain significance for Inborn genetic diseases. Last evaluated: 2025-11-20. Review status: criteria provided, single submitter. Criteria: Ambry Variant Classification Scheme 2023. Collection method: clinical testing. Allele origin: germline.

Blueprint Genetics
Classification: Likely benign. Last evaluated: 2023-08-07. Review status: criteria provided, single submitter. Criteria: ACMG Guidelines, 2015. Collection method: clinical testing. Allele origin: germline.

Department of Pathology and Laboratory Medicine, Sinai Health System
Classification: Uncertain significance for Retinitis pigmentosa 10; Leber congenital amaurosis 11. Last evaluated: 2023-05-30. Review status: criteria provided, single submitter. Criteria: ACMG Guidelines, 2015. Collection method: research. Allele origin: germline.

ARUP Laboratories, Molecular Genetics and Genomics, ARUP Laboratories
Classification: Uncertain significance. Last evaluated: 2018-12-18. Review status: criteria provided, single submitter. Criteria: ARUP Molecular Germline Variant Investigation Process. Collection method: clinical testing. Allele origin: germline.
Comment: The IMPDH1 c.377T>C; p.Phe126Ser variant (rs367549284), to our knowledge, is not reported in the medical literature or gene-specific databases. The variant is reported in the general population with an allele frequency of 0.01% (39/282880 alleles) in the Genome Aggregation Database. The amino acid at this position is moderately conserved and computational analyses (SIFT: Damaging, PolyPhen-2: Benign) predict conflicting effects of this variant on protein structure/function. Considering available information, there is insufficient evidence to classify this variant with certainty.

CeGaT Center for Human Genetics Tuebingen
Classification: Likely benign. Last evaluated: 2017-06-30. Review status: criteria provided, single submitter. Criteria: Praxis fuer Humangenetik Tuebingen - Variant Classification Criteria. Collection method: clinical testing. Allele origin: germline. Affected: yes. Observed: 1 variant allele.

NM_000883.4(IMPDH1):c.377T>C (p.Phe126Ser)

Gene: IMPDH1 (inosine monophosphate dehydrogenase 1; minus strand). Cytogenetic location: 7q32.1.
Variant type: single nucleotide variant.
Coding change: c.377T>C on transcript NM_000883.4 (MANE Select); coding-DNA position 377, T replaced by C.
Protein change: p.Phe126Ser; replaces phenylalanine 126 with serine.
Molecular consequence: missense variant.
Genome position (GRCh38, 1-based): chr7:128,403,731, A>G on the plus strand (T>C on the coding strand, the complement: IMPDH1 is on the minus strand). VCF-style: chr7-128403731-A-G. GRCh37 (hg19) VCF-style: chr7-128043785-A-G.
Other names: c.377T>C (NM_000883.3); c.347T>C, p.Phe116Ser (NM_001102605.2); c.122T>C, p.Phe41Ser (NM_001142573.2, NM_001142574.2, NM_001142575.2); c.278T>C, p.Phe93Ser (NM_001142576.2); c.170T>C, p.Phe57Ser (NM_001304521.2); c.269T>C, p.Phe90Ser (NM_183243.3); short protein forms F126S, F41S, F90S, F57S, F93S, F116S.
Identifiers: ClinVar variation 444730 (VCV000444730.25), dbSNP rs367549284, ClinGen allele CA4471191.